The following is an entry in ClinVar:

ClinVar aggregate classification (germline): Uncertain significance (1 of 4 stars; one submission).

Submission:

Labcorp Genetics (formerly Invitae), Labcorp
Classification: Uncertain significance. Last evaluated: 2025-01-06. Review status: criteria provided, single submitter. Criteria: Invitae Variant Classification Sherloc (09022015). Collection method: clinical testing. Allele origin: germline.
Comment: This sequence change replaces aspartic acid, which is acidic and polar, with histidine, which is basic and polar, at codon 32 of the ICOSLG protein (p.Asp32His). This variant is present in population databases (rs368372298, gnomAD 0.003%). This variant has not been reported in the literature in individuals affected with ICOSLG-related conditions. ClinVar contains an entry for this variant (Variation ID: 2123271). An algorithm developed to predict the effect of missense changes on protein structure and function (PolyPhen-2) suggests that this variant is likely to be disruptive. In summary, the available evidence is currently insufficient to determine the role of this variant in disease. Therefore, it has been classified as a Variant of Uncertain Significance.

NM_015259.6(ICOSLG):c.94G>C (p.Asp32His)

Gene: ICOSLG (inducible T cell costimulator ligand; minus strand). Cytogenetic location: 21q22.3.
Variant type: single nucleotide variant.
Coding change: c.94G>C on transcript NM_015259.6 (MANE Select); coding-DNA position 94, G replaced by C.
Protein change: p.Asp32His; replaces aspartic acid 32 with histidine.
Molecular consequence: missense variant. On other transcripts: intron variant (2).
Genome position (GRCh38, 1-based): chr21:44,237,179, C>G on the plus strand (G>C on the coding strand, the complement: ICOSLG is on the minus strand). VCF-style: chr21-44237179-C-G. GRCh37 (hg19) VCF-style: chr21-45657062-C-G.
Other names: c.55+1269G>C (NM_001283051.2); c.-48-114G>C (NM_001283052.2); c.94G>C, p.Asp32His (NM_001283050.2, NM_001395918.1); c.13G>C, p.Asp5His (NM_001365759.2); short protein forms D5H, D32H.
Identifiers: ClinVar variation 2123271 (VCV002123271.4), dbSNP rs368372298, ClinGen allele CA321498441.